The following is an entry in ClinVar:

NM_000310.4(PPT1):c.124+6T>C

Genes: PPT1 (palmitoyl-protein thioesterase 1; minus strand), LOC129930245 (ATAC-STARR-seq lymphoblastoid active region 829; plus strand). Cytogenetic location: 1p34.2.
Variant type: single nucleotide variant.
Coding change: c.124+6T>C on transcript NM_000310.4 (MANE Select); 6 bases into the intron after coding-DNA position 124, T replaced by C.
Molecular consequence: intron variant.
Genome position (GRCh38, 1-based): chr1:40,097,109, A>G on the plus strand (T>C on the coding strand, the complement: PPT1 is on the minus strand). VCF-style: chr1-40097109-A-G. GRCh37 (hg19) VCF-style: chr1-40562781-A-G.
Other names: c.124+6T>C (NM_001142604.2, NM_001363695.2).
Identifiers: ClinVar variation 465411 (VCV000465411.8), dbSNP rs759641557, ClinGen allele CA789832.

ClinVar aggregate classification (germline): Uncertain significance. Review status: criteria provided, multiple submitters, no conflicts (2 of 4 stars). 4 submissions from 4 submitters: Uncertain significance (3). 1 of the submissions does not count toward it. Last evaluated 2026-01-20.

Conditions:
Inborn genetic diseases. Identifiers: MedGen C0950123, MeSH D030342.
Neuronal ceroid lipofuscinosis 1 (CLN1). Also called: CEROID LIPOFUSCINOSIS, NEURONAL, 1, VARIABLE AGE AT ONSET; PPT1-Related Neuronal Ceroid-Lipofuscinosis. Identifiers: Orphanet 228329, MedGen C1850451, MONDO:0009744, OMIM 256730.

Allele frequency attached by ClinVar (database versions not stated): gnomAD exomes 0.00003 and 0.00004; gnomAD 0.00001 and 0.00002; ExAC 0.00003; TOPMed 0.00007.
gnomAD v4.1: 44 of 1,613,878 alleles (0.0027%); highest among the groups gnomAD compares: East Asian, 0.087%; no homozygotes.

Submissions (4):

GeneDx
Classification: Uncertain significance. Last evaluated: 2026-01-20. Review status: criteria provided, single submitter. Criteria: GeneDx Variant Classification Process June 2021. Collection method: clinical testing. Allele origin: germline.
Comment: Has not been previously published as pathogenic or benign to our knowledge; In silico analysis is inconclusive as to whether the variant alters gene splicing. In the absence of RNA/functional studies, the actual effect of this sequence change is unknown.

Labcorp Genetics (formerly Invitae), Labcorp
Classification: Uncertain significance for Neuronal ceroid lipofuscinosis 1. Last evaluated: 2022-04-07. Review status: criteria provided, single submitter. Criteria: Invitae Variant Classification Sherloc (09022015). Collection method: clinical testing. Allele origin: germline.
Comment: This sequence change falls in intron 1 of the PPT1 gene. It does not directly change the encoded amino acid sequence of the PPT1 protein. It affects a nucleotide within the consensus splice site. This variant is present in population databases (rs759641557, gnomAD 0.05%). This variant has not been reported in the literature in individuals affected with PPT1-related conditions. ClinVar contains an entry for this variant (Variation ID: 465411). Variants that disrupt the consensus splice site are a relatively common cause of aberrant splicing (PMID: 17576681, 9536098). Algorithms developed to predict the effect of sequence changes on RNA splicing suggest that this variant may disrupt the consensus splice site. In summary, the available evidence is currently insufficient to determine the role of this variant in disease. Therefore, it has been classified as a Variant of Uncertain Significance.

Ambry Genetics
Classification: Uncertain significance for Inborn genetic diseases. Last evaluated: 2022-02-04. Review status: criteria provided, single submitter. Criteria: Ambry Variant Classification Scheme 2023. Collection method: clinical testing. Allele origin: germline.
Comment: The c.124+6T>C intronic alteration consists of a T to C substitution 6 nucleotides after exon 1 of the PPT1 gene. Based on insufficient or conflicting evidence, the clinical significance of this alteration remains unclear.

Natera, Inc.
Classification: Uncertain significance for Neuronal ceroid lipofuscinosis 1. Last evaluated: 2020-05-29. Review status: no assertion criteria provided. Collection method: clinical testing. Allele origin: germline. Not counted in ClinVar's aggregate classification.

Literature cited by the submitters: PubMed 17576681 (cited by Labcorp Genetics (formerly Invitae), Labcorp); PubMed 9536098 (cited by Labcorp Genetics (formerly Invitae), Labcorp).